The following is an entry in ClinVar:

NM_018979.4(WNK1):c.5675C>T (p.Ser1892Phe)

Gene: WNK1 (WNK lysine deficient protein kinase 1; plus strand). Cytogenetic location: 12p13.33.
Variant type: single nucleotide variant.
Coding change: c.5675C>T on transcript NM_018979.4 (MANE Select); coding-DNA position 5675, C replaced by T.
Protein change: p.Ser1892Phe; replaces serine 1892 with phenylalanine.
Molecular consequence: missense variant.
Genome position (GRCh38, 1-based): chr12:896,162, C>T. VCF-style: chr12-896162-C-T. GRCh37 (hg19) VCF-style: chr12-1005328-C-T.
Other names: c.6455C>T, p.Ser2152Phe (NM_001184985.2); c.4931C>T, p.Ser1644Phe (NM_014823.3); c.6431C>T, p.Ser2144Phe (NM_213655.5); short protein forms S1892F, S2144F, S1644F, S2152F.
Identifiers: ClinVar variation 1753498 (VCV001753498.8), dbSNP rs1954718082, ClinGen allele CA383334735.

ClinVar aggregate classification (germline): Uncertain significance. Review status: criteria provided, multiple submitters, no conflicts (2 of 4 stars). 2 submissions from 2 submitters: Uncertain significance (2). Last evaluated 2024-05-19.

Conditions:
Neuropathy, hereditary sensory and autonomic, type 2A (HSAN2A). Also called: MORVAN DISEASE; NEUROPATHY, CONGENITAL SENSORY; NEUROPATHY, HEREDITARY SENSORY RADICULAR, AUTOSOMAL RECESSIVE; NEUROPATHY, HEREDITARY SENSORY, TYPE IIA; NEUROPATHY, PROGRESSIVE SENSORY, OF CHILDREN; ACROOSTEOLYSIS, GIACCAI TYPE. Identifiers: Orphanet 970, MedGen C2752089, MONDO:0024309, OMIM 201300.
Pseudohypoaldosteronism type 2C (PHA2C). Also called: Pseudohypoaldosteronism Type IIC. Identifiers: Orphanet 757, Orphanet 88940, MedGen C1840391, MONDO:0013778, OMIM 614492.
Inborn genetic diseases. Identifiers: MedGen C0950123, MeSH D030342.

gnomAD v4.1: 23 of 1,614,138 alleles (0.0014%); highest among the groups gnomAD compares: East Asian, 0.0022%; no homozygotes.

Submissions (2):

Labcorp Genetics (formerly Invitae), Labcorp
Classification: Uncertain significance for Neuropathy, hereditary sensory and autonomic, type 2A; Pseudohypoaldosteronism type 2C. Last evaluated: 2024-05-19. Review status: criteria provided, single submitter. Criteria: Invitae Variant Classification Sherloc (09022015). Collection method: clinical testing. Allele origin: germline.
Comment: This sequence change replaces serine, which is neutral and polar, with phenylalanine, which is neutral and non-polar, at codon 2144 of the WNK1 protein (p.Ser2144Phe). This variant is not present in population databases (gnomAD no frequency). This variant has not been reported in the literature in individuals affected with WNK1-related conditions. ClinVar contains an entry for this variant (Variation ID: 1753498). Advanced modeling of protein sequence and biophysical properties (such as structural, functional, and spatial information, amino acid conservation, physicochemical variation, residue mobility, and thermodynamic stability) performed at Invitae indicates that this missense variant is not expected to disrupt WNK1 protein function with a negative predictive value of 95%. In summary, the available evidence is currently insufficient to determine the role of this variant in disease. Therefore, it has been classified as a Variant of Uncertain Significance.

Ambry Genetics
Classification: Uncertain significance for Inborn genetic diseases. Last evaluated: 2021-03-11. Review status: criteria provided, single submitter. Criteria: Ambry Variant Classification Scheme 2023. Collection method: clinical testing. Allele origin: germline.
Comment: The p.S2144F variant (also known as c.6431C>T), located in coding exon 24 of the WNK1 gene, results from a C to T substitution at nucleotide position 6431. The serine at codon 2144 is replaced by phenylalanine, an amino acid with highly dissimilar properties. This amino acid position is highly conserved in available vertebrate species. In addition, the in silico prediction for this alteration is inconclusive. Since supporting evidence is limited at this time, the clinical significance of this alteration remains unclear.